The following is an entry in ClinVar:

NM_213599.3(ANO5):c.*3564A>T

Gene: ANO5 (anoctamin 5; plus strand). Cytogenetic location: 11p14.3.
Variant type: single nucleotide variant.
Coding change: c.*3564A>T on transcript NM_213599.3 (MANE Select); 3564 bases downstream of the stop codon, A replaced by T.
Molecular consequence: 3 prime UTR variant.
Genome position (GRCh38, 1-based): chr11:22,283,329, A>T. VCF-style: chr11-22283329-A-T. GRCh37 (hg19) VCF-style: chr11-22304875-A-T.
Other names: c.*3564A>T (NM_001142649.2).
Identifiers: ClinVar variation 879790 (VCV000879790.5), dbSNP rs7933026, ClinGen allele CA218781452.

ClinVar aggregate classification (germline): Likely benign. Review status: criteria provided, multiple submitters, no conflicts (2 of 4 stars). 2 submissions from 2 submitters: Likely benign (2). Last evaluated 2021-10-18.

Conditions:
ANO5-Related Muscle Diseases. Identifiers: MedGen CN180644.

Allele frequency attached by ClinVar (database versions not stated): 1000 Genomes Project 0.00399; 1000 Genomes Project 30x 0.00437; gnomAD 0.00617 and 0.00682; TOPMed 0.00708.

Submissions (2):

GeneDx
Classification: Likely benign. Last evaluated: 2021-10-18. Review status: criteria provided, single submitter. Criteria: GeneDx Variant Classification Process June 2021. Collection method: clinical testing. Allele origin: germline. Affected: yes.
Comment: See Variant Classification Assertion Criteria.

Illumina Laboratory Services, Illumina
Classification: Likely benign for ANO5-Related Muscle Diseases. Last evaluated: 2018-01-12. Review status: criteria provided, single submitter. Criteria: ICSL Variant Classification Criteria 13 December 2019. Collection method: clinical testing. Allele origin: germline.
Comment: This variant was observed in the ICSL laboratory as part of a predisposition screen in an ostensibly healthy population. It had not been previously curated by ICSL or reported in the Human Gene Mutation Database (HGMD: prior to June 1st, 2018), and was therefore a candidate for classification through an automated scoring system. Utilizing variant allele frequency, disease prevalence and penetrance estimates, and inheritance mode, an automated score was calculated to assess if this variant is too frequent to cause the disease. Based on the score and internal cut-off values, a variant classified as likely benign is not then subjected to further curation. The score for this variant resulted in a classification of likely benign for this disease.